The following is an entry in ClinVar:

ClinVar aggregate classification (germline): Benign/Likely benign. Review status: criteria provided, multiple submitters, no conflicts (2 of 4 stars). 2 submissions from 2 submitters: Benign (1); Likely benign (1). Last evaluated 2026-05-01.

Allele frequency attached by ClinVar (database versions not stated): gnomAD 0.00002 and 0.00003; TOPMed 0.00004; ESP Exome Variant Server 0.00008; 1000 Genomes Project 30x 0.00016; 1000 Genomes Project 0.00020.
gnomAD v4.1: 34 of 1,614,144 alleles (0.0021%); highest among the groups gnomAD compares: Admixed American, 0.012%; no homozygotes.

Submissions (2):

CeGaT Center for Human Genetics Tuebingen
Classification: Likely benign. Last evaluated: 2026-05-01. Review status: criteria provided, single submitter. Criteria: CeGaT Center For Human Genetics Tuebingen Variant Classification Criteria Version 2. Collection method: clinical testing. Allele origin: germline. Affected: yes. Observed: 1 variant allele.
Comment: PPP2R1A: BP4, BP7

Labcorp Genetics (formerly Invitae), Labcorp
Classification: Benign. Last evaluated: 2025-11-15. Review status: criteria provided, single submitter. Criteria: Invitae Variant Classification Sherloc (09022015). Collection method: clinical testing. Allele origin: germline.

NM_014225.6(PPP2R1A):c.1572G>A (p.Thr524=)

Genes: PPP2R1A (protein phosphatase 2 scaffold subunit Aalpha; plus strand), LOC126862924 (BRD4-independent group 4 enhancer GRCh37_chr19:52724813-52726012; plus strand). Cytogenetic location: 19q13.41.
Variant type: single nucleotide variant.
Coding change: c.1572G>A on transcript NM_014225.6 (MANE Select); coding-DNA position 1572, G replaced by A.
Protein change: p.Thr524=; no amino-acid change (threonine 524 retained).
Molecular consequence: synonymous variant. On other transcripts: non-coding transcript variant (1).
Genome position (GRCh38, 1-based): chr19:52,222,152, G>A. VCF-style: chr19-52222152-G-A. GRCh37 (hg19) VCF-style: chr19-52725405-G-A.
Other names: c.1035G>A, p.Thr345= (NM_001363656.2).
Identifiers: ClinVar variation 1533833 (VCV001533833.10), dbSNP rs147064842, ClinGen allele CA9621637.